The following is an entry in ClinVar:

ClinVar aggregate classification (germline): Uncertain significance. Review status: criteria provided, multiple submitters, no conflicts (2 of 4 stars). 2 submissions from 2 submitters: Uncertain significance (2). Last evaluated 2025-04-08.

Conditions:
Hyperphosphatasia with impaired intellectual development syndrome 2. Also called: Hyperphosphatasia with intellectual disability syndrome 2; GLYCOSYLPHOSPHATIDYLINOSITOL BIOSYNTHESIS DEFECT 6. Identifiers: Orphanet 247262, MedGen C3553637, MONDO:0013882, OMIM 614749.

Allele frequency attached by ClinVar (database versions not stated): gnomAD exomes 0.00005; gnomAD 0.00001; ExAC 0.00002; TOPMed 0.00001.
gnomAD v4.1: 45 of 1,614,160 alleles (0.0028%); highest among the groups gnomAD compares: Admixed American, 0.0033%; no homozygotes.

Submissions (2):

GeneDx
Classification: Uncertain significance. Last evaluated: 2025-04-08. Review status: criteria provided, single submitter. Criteria: GeneDx Variant Classification Process June 2021. Collection method: clinical testing. Allele origin: germline. Affected: yes.
Comment: Not observed at significant frequency in large population cohorts (gnomAD); In silico analysis indicates that this missense variant does not alter protein structure/function; Has not been previously published as pathogenic or benign to our knowledge

Labcorp Genetics (formerly Invitae), Labcorp
Classification: Uncertain significance for Hyperphosphatasia with impaired intellectual development syndrome 2. Last evaluated: 2021-08-27. Review status: criteria provided, single submitter. Criteria: Invitae Variant Classification Sherloc (09022015). Collection method: clinical testing. Allele origin: germline.
Comment: This sequence change replaces methionine with valine at codon 836 of the PIGO protein (p.Met836Val). The methionine residue is moderately conserved and there is a small physicochemical difference between methionine and valine. This variant is present in population databases (rs752108320, ExAC 0.01%). This variant has not been reported in the literature in individuals affected with PIGO-related conditions. Algorithms developed to predict the effect of missense changes on protein structure and function output the following: SIFT: "Tolerated"; PolyPhen-2: "Benign"; Align-GVGD: "Class C0". The valine amino acid residue is found in multiple mammalian species, which suggests that this missense change does not adversely affect protein function. In summary, the available evidence is currently insufficient to determine the role of this variant in disease. Therefore, it has been classified as a Variant of Uncertain Significance.

NM_032634.4(PIGO):c.2506A>G (p.Met836Val)

Gene: PIGO (phosphatidylinositol glycan anchor biosynthesis class O; minus strand). Cytogenetic location: 9p13.3.
Variant type: single nucleotide variant.
Coding change: c.2506A>G on transcript NM_032634.4 (MANE Select); coding-DNA position 2506, A replaced by G.
Protein change: p.Met836Val; replaces methionine 836 with valine.
Molecular consequence: missense variant. On other transcripts: intron variant (2).
Genome position (GRCh38, 1-based): chr9:35,091,381, T>C on the plus strand (A>G on the coding strand, the complement: PIGO is on the minus strand). VCF-style: chr9-35091381-T-C. GRCh37 (hg19) VCF-style: chr9-35091378-T-C.
Other names: c.1345-90A>G (NM_152850.4, NM_001201484.2); short protein forms M836V.
Identifiers: ClinVar variation 568742 (VCV000568742.8), dbSNP rs752108320, ClinGen allele CA5040403.